The following is an entry in ClinVar:

ClinVar aggregate classification (germline): Conflicting classifications of pathogenicity. Review status: criteria provided, conflicting classifications (1 of 4 stars). 4 submissions from 4 submitters: Uncertain significance (3); Likely benign (1). Last evaluated 2025-12-03.

Conditions:
Atrial conduction disease. Identifiers: Orphanet 436242, MedGen CN221670, MONDO:0014500.

Allele frequency attached by ClinVar (database versions not stated): ExAC 0.00001; gnomAD exomes 0.00001 and 0.00003; TOPMed 0.00002; gnomAD 0.00003 and 0.00004.
gnomAD v4.1: 20 of 1,597,296 alleles (0.0013%); highest among the groups gnomAD compares: East Asian, 0.038%; no homozygotes.

Submissions (4):

Labcorp Genetics (formerly Invitae), Labcorp
Classification: Uncertain significance. Last evaluated: 2025-12-03. Review status: criteria provided, single submitter. Criteria: Invitae Variant Classification Sherloc (09022015). Collection method: clinical testing. Allele origin: germline.
Comment: This sequence change affects codon 227 of the TNNI3K mRNA. It is a 'silent' change, meaning that it does not change the encoded amino acid sequence of the TNNI3K protein. It affects a nucleotide within the consensus splice site. This variant is present in population databases (rs757108060, gnomAD 0.03%). This variant has not been reported in the literature in individuals affected with TNNI3K-related conditions. ClinVar contains an entry for this variant (Variation ID: 1431414). Algorithms developed to predict the effect of sequence changes on RNA splicing suggest that this variant is not likely to affect RNA splicing. In summary, the available evidence is currently insufficient to determine the role of this variant in disease. Therefore, it has been classified as a Variant of Uncertain Significance.

Blueprint Genetics
Classification: Likely benign. Last evaluated: 2023-12-15. Review status: criteria provided, single submitter. Criteria: ACMG Guidelines, 2015. Collection method: clinical testing. Allele origin: germline.

Genome-Nilou Lab
Classification: Uncertain significance for Cardiac conduction disease with or without dilated cardiomyopathy 1. Last evaluated: 2023-04-11. Review status: criteria provided, single submitter. Criteria: ACMG Guidelines, 2015. Collection method: clinical testing. Allele origin: germline. Affected: no.

Victorian Clinical Genetics Services, Murdoch Childrens Research Institute
Classification: Uncertain significance for Cardiac conduction disease with or without dilated cardiomyopathy 1. Last evaluated: 2022-03-31. Review status: criteria provided, single submitter. Criteria: ACMG Guidelines, 2015. Collection method: clinical testing. Allele origin: germline. Inheritance: Autosomal dominant inheritance. Affected: yes.
Comment: Based on the classification scheme VCGS_Germline_v1.3.4, this variant is classified as VUS-3C. Following criteria are met: 0101 - Gain of function is a known mechanism of disease in this gene and is associated with cardiac conduction disease with or without dilated cardiomyopathy (MIM#616117). Loss of function and dominant negative have also been suggested as mechanisms, but current evidence is limited (PMIDs: 30010057, 34203974). (I) 0107 - This gene is associated with autosomal dominant disease. (I) 0218 - Non-coding variant without known or predicted effect. This variant is predicted to result in a synonymous change. (I) 0251 - This variant is heterozygous. (I) 0302 - Variant is present in gnomAD (v2 & v3) <0.001 for a dominant condition (11 heterozygotes, 0 homozygotes). (SP) 0506 - Abnormal splicing is not predicted and nucleotide is poorly conserved. (SB) 0705 - No comparable variants have previous evidence for pathogenicity. (I) 0807 - This variant has no previous evidence of pathogenicity. (I) 0905 - No published segregation evidence has been identified for this variant. (I) 1007 - No published functional evidence has been identified for this variant. (I) 1208 - Inheritance information for this variant is not currently available in this individual. (I) Legend: (SP) - Supporting pathogenic, (I) - Information, (SB) - Supporting benign

Literature cited by the submitters: PubMed 30010057 (cited by Victorian Clinical Genetics Services, Murdoch Childrens Research Institute); PubMed 34203974 (cited by Victorian Clinical Genetics Services, Murdoch Childrens Research Institute).

NM_015978.3(TNNI3K):c.681T>C (p.Asp227=)

Genes: FPGT-TNNI3K (FPGT-TNNI3K readthrough; plus strand), TNNI3K (TNNI3 interacting kinase; plus strand). Cytogenetic location: 1p31.1.
Variant type: single nucleotide variant.
Coding change: c.681T>C on transcript NM_015978.3 (MANE Select); coding-DNA position 681, T replaced by C.
Protein change: p.Asp227=; no amino-acid change (aspartic acid 227 retained).
Molecular consequence: synonymous variant.
Genome position (GRCh38, 1-based): chr1:74,336,148, T>C. VCF-style: chr1-74336148-T-C. GRCh37 (hg19) VCF-style: chr1-74801832-T-C.
Other names: c.984T>C, p.Asp328= (NM_001112808.3, NM_001199327.2).
Identifiers: ClinVar variation 1431414 (VCV001431414.9), dbSNP rs757108060, ClinGen allele CA908970.